The following is an entry in ClinVar:

ClinVar aggregate classification (germline): Likely pathogenic (1 of 4 stars; one submission).

Submission:

Labcorp Genetics (formerly Invitae), Labcorp
Classification: Likely pathogenic. Last evaluated: 2023-09-21. Review status: criteria provided, single submitter. Criteria: Invitae Variant Classification Sherloc (09022015). Collection method: clinical testing. Allele origin: germline.
Comment: This sequence change affects an acceptor splice site in intron 4 of the TSHR gene. It is expected to disrupt RNA splicing. Variants that disrupt the donor or acceptor splice site typically lead to a loss of protein function (PMID: 16199547), and loss-of-function variants in TSHR are known to be pathogenic (PMID: 8954020). This variant is not present in population databases (gnomAD no frequency). This variant has not been reported in the literature in individuals affected with TSHR-related conditions. Algorithms developed to predict the effect of sequence changes on RNA splicing suggest that this variant may disrupt the consensus splice site. In summary, the currently available evidence indicates that the variant is pathogenic, but additional data are needed to prove that conclusively. Therefore, this variant has been classified as Likely Pathogenic.

Literature cited by the submitters: PubMed 16199547; PubMed 8954020.

NM_000369.5(TSHR):c.393-2A>G

Genes: TSHR (thyroid stimulating hormone receptor; plus strand), TSHR-AS1 (TSHR antisense RNA 1; minus strand). Cytogenetic location: 14q31.1.
Variant type: single nucleotide variant.
Coding change: c.393-2A>G on transcript NM_000369.5 (MANE Select); the canonical splice acceptor site of the intron before coding-DNA position 393, A replaced by G.
Molecular consequence: splice acceptor variant.
Genome position (GRCh38, 1-based): chr14:81,091,067, A>G. VCF-style: chr14-81091067-A-G. GRCh37 (hg19) VCF-style: chr14-81557411-A-G.
Other names: c.393-2A>G (NM_001142626.3, NM_001018036.3).
Identifiers: ClinVar variation 2861238 (VCV002861238.3), dbSNP rs2503608451, ClinGen allele CA390734234.
Genomic context (GRCh38, chr14:81,091,067, plus strand): 5'-CTATGTGTTGATTTTTTTACCTAAATTCTATGCTTTTTTTTCTCTTTTTTTCATTAATTT[A>G]GTGGCATTTTCAACACTGGACTTAAAATGTTCCCTGACCTGACCAAAGTTTATTCCACTG-3'